The following is an entry in ClinVar:

NM_000256.3(MYBPC3):c.3331-26T>G

Gene: MYBPC3 (myosin binding protein C3; minus strand). Cytogenetic location: 11p11.2.
Variant type: single nucleotide variant.
Coding change: c.3331-26T>G on transcript NM_000256.3 (MANE Select); 26 bases into the intron before coding-DNA position 3331, T replaced by G.
Molecular consequence: intron variant.
Genome position (GRCh38, 1-based): chr11:47,332,999, A>C on the plus strand (T>G on the coding strand, the complement: MYBPC3 is on the minus strand). VCF-style: chr11-47332999-A-C. GRCh37 (hg19) VCF-style: chr11-47354550-A-C.
Identifiers: ClinVar variation 1320039 (VCV001320039.5), dbSNP rs2142850484, ClinGen allele CA2573146361.
Genomic context (GRCh38, chr11:47,332,999, plus strand): 5'-GTGCGGCGGTAATGCTCCAAGACGGTGAACCACTCCTGGGGGCAGGGAGGGAGGGGAGGC[A>C]TCTCTGGGCCAGGCCCTTCCTGATGCCGAGAGCCTCTCCTGGGTGCCCTTGGCATCTCCA-3'

ClinVar aggregate classification (germline): Likely pathogenic (1 of 4 stars; one submission).

Conditions:
Hypertrophic cardiomyopathy. Also called: HYPERTROPHIC MYOCARDIOPATHY. Identifiers: Orphanet 217569, MedGen C0007194, MeSH D002312, MONDO:0005045, HP:0001639.

Allele frequency attached by ClinVar (database versions not stated): gnomAD exomes below 0.00001.
gnomAD v4.1: 2 of 1,599,334 alleles (0.00013%); highest among the groups gnomAD compares: Non-Finnish European, 0.00017%; no homozygotes.

Submission:

Health in Code S.L.
Classification: Likely pathogenic for Hypertrophic cardiomyopathy. Last evaluated: 2021-11-05. Review status: criteria provided, single submitter. Criteria: ACMG Guidelines, 2015. Collection method: clinical testing, in vitro, in vivo. Allele origin: germline, not applicable. Inheritance: Autosomal dominant inheritance. Affected: yes. Observed: 5 variant alleles, 5 heterozygotes. Functional consequence: effect on RNA splicing.
Comment: According to the American College of Medical Genetics and the Association of Molecular Pathology guidelines and recommendations by ClinGen's Inherited Cardiomyopathy Expert Panel the MYBPC3 c.3331-26T>G variant was classified as likely pathogenic, as per the following criteria: PS3, strong evidence based of both minigene and endogenous functional splicing assays supporting a damaging effect on the MYBPC3 gene product; PM2, moderate evidence based on the absence of the variant in the large genome population database gnomAD; and PP1, supporting evidence based of cosegregation with the disease in three affected family members and two additional unrelated hypertrophic cardiomyopathy probands.

Literature cited by the submitters: PubMed 35508642.